The following is an entry in ClinVar:

NM_003000.3(SDHB):c.231C>G (p.Ile77Met)

Gene: SDHB (succinate dehydrogenase complex iron sulfur subunit B; minus strand). Cytogenetic location: 1p36.13.
Variant type: single nucleotide variant.
Coding change: c.231C>G on transcript NM_003000.3 (MANE Select); coding-DNA position 231, C replaced by G.
Protein change: p.Ile77Met; replaces isoleucine 77 with methionine.
Molecular consequence: missense variant.
Genome position (GRCh38, 1-based): chr1:17,033,115, G>C on the plus strand (C>G on the coding strand, the complement: SDHB is on the minus strand). VCF-style: chr1-17033115-G-C. GRCh37 (hg19) VCF-style: chr1-17359610-G-C.
Other names: short protein forms I77M.
Identifiers: ClinVar variation 640231 (VCV000640231.7), dbSNP rs1570951427, ClinGen allele CA338276583.

ClinVar aggregate classification (germline): Uncertain significance. Review status: criteria provided, multiple submitters, no conflicts (2 of 4 stars). 2 submissions from 2 submitters: Uncertain significance (2). Last evaluated 2024-01-11.

Conditions:
Hereditary pheochromocytoma and paraganglioma. Also called: Hereditary paragangliomas and pheochromocytomas; Hereditary Paraganglioma-Pheochromocytoma Syndromes; Hereditary pheochromocytoma-paraganglioma. Identifiers: Orphanet 29072, MedGen C4274332, MONDO:0017366.
Pheochromocytoma. Also called: MAX-Related Hereditary Paraganglioma-Pheochromocytoma Syndrome. Identifiers: Orphanet 29072, MedGen C0031511, MONDO:0008233, OMIM 171300, HP:0002666.
Pheochromocytoma/paraganglioma syndrome 4. Also called: PARAGANGLIOMA, FAMILIAL MALIGNANT; PARAGANGLIOMAS, HEREDITARY EXTRAADRENAL; PHEOCHROMOCYTOMA, FAMILIAL EXTRAADRENAL; SDHB-Related Hereditary Paraganglioma-Pheochromocytoma Syndrome (Paragangliomas 4); CAROTID BODY TUMORS AND MULTIPLE EXTRAADRENAL PHEOCHROMOCYTOMAS; SDHB-Related Hereditary Paraganglioma-Pheochromocytoma Syndrome. Identifiers: Orphanet 29072, MedGen C1861848, MONDO:0007273, OMIM 115310.
Gastrointestinal stromal tumor. Also called: Gastrointestinal stromal tumor, somatic; Gastrointestinal stroma tumor. Identifiers: Orphanet 44890, MedGen C0238198, MeSH D046152, MONDO:0011719, OMIM 606764, HP:0100723.

Submissions (2):

All of Us Research Program, National Institutes of Health
Classification: Uncertain significance for Hereditary pheochromocytoma and paraganglioma. Last evaluated: 2024-01-11. Review status: criteria provided, single submitter. Criteria: ACMG Guidelines, 2015. Collection method: clinical testing. Allele origin: germline. Inheritance: Autosomal dominant inheritance. Observed: 1 variant allele, 1 heterozygote.
Comment: This study involves interpretation of variants in research participants for the purpose of population health screening. Participant phenotype was not available at the time of variant classification. Additional details can be found in publication PMID: 35346344, PMCID: PMC8962531

Labcorp Genetics (formerly Invitae), Labcorp
Classification: Uncertain significance for Gastrointestinal stromal tumor; Pheochromocytoma/paraganglioma syndrome 4; Pheochromocytoma. Last evaluated: 2018-08-20. Review status: criteria provided, single submitter. Criteria: Invitae Variant Classification Sherloc (09022015). Collection method: clinical testing. Allele origin: germline.
Comment: This sequence change replaces isoleucine with methionine at codon 77 of the SDHB protein (p.Ile77Met). The isoleucine residue is highly conserved and there is a small physicochemical difference between isoleucine and methionine. This variant is not present in population databases (ExAC no frequency). This variant has not been reported in the literature in individuals with SDHB-related disease. Algorithms developed to predict the effect of missense changes on protein structure and function are either unavailable or do not agree on the potential impact of this missense change (SIFT: "Deleterious"; PolyPhen-2: "Possibly Damaging"; Align-GVGD: "Class C0"). In summary, the available evidence is currently insufficient to determine the role of this variant in disease. Therefore, it has been classified as a Variant of Uncertain Significance.